The following is an entry in ClinVar:

ClinVar aggregate classification (germline): Uncertain significance (1 of 4 stars; one submission).

gnomAD v4.1: 1 of 1,613,930 alleles (0.000062%); highest among the groups gnomAD compares: Non-Finnish European, 0.000085%; no homozygotes.

Submission:

Labcorp Genetics (formerly Invitae), Labcorp
Classification: Uncertain significance. Last evaluated: 2024-11-25. Review status: criteria provided, single submitter. Criteria: Invitae Variant Classification Sherloc (09022015). Collection method: clinical testing. Allele origin: germline.
Comment: This sequence change replaces cysteine, which is neutral and slightly polar, with serine, which is neutral and polar, at codon 518 of the DEAF1 protein (p.Cys518Ser). This variant is not present in population databases (gnomAD no frequency). This variant has not been reported in the literature in individuals affected with DEAF1-related conditions. Invitae Evidence Modeling of protein sequence and biophysical properties (such as structural, functional, and spatial information, amino acid conservation, physicochemical variation, residue mobility, and thermodynamic stability) indicates that this missense variant is expected to disrupt DEAF1 protein function with a positive predictive value of 80%. In summary, the available evidence is currently insufficient to determine the role of this variant in disease. Therefore, it has been classified as a Variant of Uncertain Significance.

NM_021008.4(DEAF1):c.1552T>A (p.Cys518Ser)

Gene: DEAF1 (DEAF1 transcription factor; minus strand). Cytogenetic location: 11p15.5.
Variant type: single nucleotide variant.
Coding change: c.1552T>A on transcript NM_021008.4 (MANE Select); coding-DNA position 1552, T replaced by A.
Protein change: p.Cys518Ser; replaces cysteine 518 with serine.
Molecular consequence: missense variant.
Genome position (GRCh38, 1-based): chr11:654,003, A>T on the plus strand (T>A on the coding strand, the complement: DEAF1 is on the minus strand). VCF-style: chr11-654003-A-T. GRCh37 (hg19) VCF-style: chr11-654003-A-T.
Other names: c.1327T>A, p.Cys443Ser (NM_001293634.2); c.826T>A, p.Cys276Ser (NM_001367390.1); short protein forms C443S, C276S, C518S.
Identifiers: ClinVar variation 3672345 (VCV003672345.2).